The following is an entry in ClinVar:

ClinVar aggregate classification (germline): Pathogenic (1 of 4 stars; one submission).

Submission:

GeneDx
Classification: Pathogenic. Last evaluated: 2026-01-18. Review status: criteria provided, single submitter. Criteria: GeneDx Variant Classification Process June 2021. Collection method: clinical testing. Allele origin: germline.
Comment: Canonical splice site variant predicted to result in a null allele in a gene for which loss of function is a known mechanism of disease; Not observed at significant frequency in large population cohorts (gnomAD); Has not been previously published as pathogenic or benign to our knowledge

NM_017780.4(CHD7):c.5895-1G>A

Gene: CHD7 (chromodomain helicase DNA binding protein 7; plus strand). Cytogenetic location: 8q12.2.
Variant type: single nucleotide variant.
Coding change: c.5895-1G>A on transcript NM_017780.4 (MANE Select); the canonical splice acceptor site of the intron before coding-DNA position 5895, G replaced by A.
Molecular consequence: splice acceptor variant. On other transcripts: intron variant (1).
Genome position (GRCh38, 1-based): chr8:60,852,497, G>A. VCF-style: chr8-60852497-G-A. GRCh37 (hg19) VCF-style: chr8-61765056-G-A.
Other names: c.1717-9732G>A (NM_001316690.1).
Identifiers: ClinVar variation 1804426 (VCV001804426.2), dbSNP rs398124322, ClinGen allele CA371323581.